The following is an entry in ClinVar:

ClinVar aggregate classification (germline): Uncertain significance. Review status: criteria provided, multiple submitters, no conflicts (2 of 4 stars). 4 submissions from 4 submitters: Uncertain significance (4). Last evaluated 2024-10-21.

Conditions:
Microvascular complications of diabetes, susceptibility to, 3. Identifiers: MedGen C2675470, MONDO:0012963, OMIM 612624.
Hemorrhage, intracerebral, susceptibility to (ICH). Also called: Stroke, hemorrhagic, susceptibility to. Identifiers: MedGen C3281105, MONDO:0100533, OMIM 614519.
Renal tubular dysgenesis of genetic origin. Also called: PRIMITIVE RENAL TUBULE SYNDROME. Identifiers: Orphanet 97369, MedGen C5681536, MONDO:0009970, OMIM 267430.
Renal tubular dysgenesis. Also called: Renotubular dysgenesis. Identifiers: Orphanet 3033, MedGen C0266313, MONDO:0017609, HP:0008660.

Allele frequency attached by ClinVar (database versions not stated): TOPMed 0.00020; ExAC 0.00029; ESP Exome Variant Server 0.00038.

Submissions (4):

Labcorp Genetics (formerly Invitae), Labcorp
Classification: Uncertain significance. Last evaluated: 2024-10-21. Review status: criteria provided, single submitter. Criteria: Invitae Variant Classification Sherloc (09022015). Collection method: clinical testing. Allele origin: germline.
Comment: This sequence change replaces proline, which is neutral and non-polar, with leucine, which is neutral and non-polar, at codon 351 of the ACE protein (p.Pro351Leu). This variant is present in population databases (rs2229839, gnomAD 0.04%). This variant has not been reported in the literature in individuals affected with ACE-related conditions. ClinVar contains an entry for this variant (Variation ID: 388290). Invitae Evidence Modeling of protein sequence and biophysical properties (such as structural, functional, and spatial information, amino acid conservation, physicochemical variation, residue mobility, and thermodynamic stability) has been performed for this missense variant. However, the output from this modeling did not meet the statistical confidence thresholds required to predict the impact of this variant on ACE protein function. In summary, the available evidence is currently insufficient to determine the role of this variant in disease. Therefore, it has been classified as a Variant of Uncertain Significance.

Fulgent Genetics
Classification: Uncertain significance for Renal tubular dysgenesis of genetic origin; Microvascular complications of diabetes, susceptibility to, 3; Hemorrhage, intracerebral, susceptibility to. Last evaluated: 2024-01-11. Review status: criteria provided, single submitter. Criteria: ACMG Guidelines, 2015. Collection method: clinical testing. Allele origin: germline.

GeneDx
Classification: Uncertain significance. Last evaluated: 2017-08-03. Review status: criteria provided, single submitter. Criteria: GeneDx Variant Classification (06012015). Collection method: clinical testing. Allele origin: germline. Affected: yes.
Comment: The P351L variant in the ACE gene has not been reported previously as a pathogenic variant, nor as a benign variant, to our knowledge. The P351L variant was not observed at any significant frequency in approximately 6500 individuals of European and African American ancestry in the NHLBI Exome Sequencing Project, indicating it is not a common benign variant in these populations. The P351L variant is a semi-conservative amino acid substitution, which occurs at a position that is conserved across species. In silico analysis predicts this variant is probably damaging to the protein structure/function. We interpret P351L as a variant of uncertain significance.

Illumina Laboratory Services, Illumina
Classification: Uncertain significance for Renal tubular dysgenesis of genetic origin. Last evaluated: 2017-04-27. Review status: criteria provided, single submitter. Criteria: ICSL Variant Classification Criteria 13 December 2019. Collection method: clinical testing. Allele origin: germline.

NM_000789.4(ACE):c.1052C>T (p.Pro351Leu)

Gene: ACE (angiotensin I converting enzyme; plus strand). Cytogenetic location: 17q23.3.
Variant type: single nucleotide variant.
Coding change: c.1052C>T on transcript NM_000789.4 (MANE Select); coding-DNA position 1052, C replaced by T.
Protein change: p.Pro351Leu; replaces proline 351 with leucine.
Molecular consequence: missense variant.
Genome position (GRCh38, 1-based): chr17:63,481,672, C>T. VCF-style: chr17-63481672-C-T. GRCh37 (hg19) VCF-style: chr17-61559033-C-T.
Other names: short protein forms P351L.
Identifiers: ClinVar variation 388290 (VCV000388290.11), dbSNP rs2229839, ClinGen allele CA8699366.